The following is an entry in ClinVar:

NM_002460.4(IRF4):c.1338T>G (p.His446Gln)

Gene: IRF4 (interferon regulatory factor 4; plus strand). Cytogenetic location: 6p25.3.
Variant type: single nucleotide variant.
Coding change: c.1338T>G on transcript NM_002460.4 (MANE Select); coding-DNA position 1338, T replaced by G.
Protein change: p.His446Gln; replaces histidine 446 with glutamine.
Molecular consequence: missense variant. On other transcripts: non-coding transcript variant (1).
Genome position (GRCh38, 1-based): chr6:407,580, T>G. VCF-style: chr6-407580-T-G. GRCh37 (hg19) VCF-style: chr6-407580-T-G.
Other names: c.1335T>G, p.His445Gln (NM_001195286.2); short protein forms H446Q, H445Q.
Identifiers: ClinVar variation 4710202 (VCV004710202.1).

ClinVar aggregate classification (germline): Uncertain significance (1 of 4 stars; one submission).

gnomAD v4.1: 2 of 1,605,558 alleles (0.00012%); highest among the groups gnomAD compares: Non-Finnish European, 0.00017%; no homozygotes.

Submission:

Labcorp Genetics (formerly Invitae), Labcorp
Classification: Uncertain significance. Last evaluated: 2025-11-27. Review status: criteria provided, single submitter. Criteria: Invitae Variant Classification Sherloc (09022015). Collection method: clinical testing. Allele origin: germline.
Comment: This sequence change replaces histidine, which is basic and polar, with glutamine, which is neutral and polar, at codon 446 of the IRF4 protein (p.His446Gln). This variant is not present in population databases (gnomAD no frequency). This variant has not been reported in the literature in individuals affected with IRF4-related conditions. An algorithm developed to predict the effect of missense changes on protein structure and function (PolyPhen-2) suggests that this variant is likely to be tolerated. In summary, the available evidence is currently insufficient to determine the role of this variant in disease. Therefore, it has been classified as a Variant of Uncertain Significance.